The following is an entry in ClinVar:

ClinVar aggregate classification (germline): Conflicting classifications of pathogenicity. Review status: criteria provided, conflicting classifications (1 of 4 stars). 11 submissions from 11 submitters: Uncertain significance (7); Likely benign (2). 2 of the submissions do not count toward it. Last evaluated 2026-09-03.

Conditions:
BRCA2-related cancer predisposition. Identifiers: MedGen CN377758, MONDO:0700269.
Hereditary cancer-predisposing syndrome. Also called: Hereditary neoplastic syndrome; Neoplastic Syndromes, Hereditary; Hereditary Cancer Syndrome; Tumor predisposition. Identifiers: Orphanet 140162, MedGen C0027672, MeSH D009386, MONDO:0015356.
Hereditary breast ovarian cancer syndrome. Also called: Hereditary breast and/or ovarian cancer syndrome; Breast and ovarian cancer; BRCA1- and BRCA2-Associated Hereditary Breast and Ovarian Cancer; Hereditary breast and ovarian cancer syndrome (HBOC); Hereditary breast and ovarian cancer syndrome; Hereditary breast and ovarian cancer. Identifiers: Orphanet 145, MedGen C0677776, MeSH D061325, MONDO:0003582. Disease mechanism: loss of function.
Breast-ovarian cancer, familial, susceptibility to, 2 (BROVCA2). Also called: BRCA2 Hereditary Breast and Ovarian Cancer. Identifiers: Orphanet 145, MedGen C2675520, MONDO:0012933, OMIM 612555. Disease mechanism: loss of function.

Allele frequency attached by ClinVar (database versions not stated): gnomAD exomes below 0.00001 and 0.00001; TOPMed 0.00001; gnomAD 0.00001.
gnomAD v4.1: 3 of 1,601,338 alleles (0.00019%); highest among the groups gnomAD compares: Admixed American, 0.0053%; no homozygotes.

Submissions (11):

Myriad Genetics, Inc.
Classification: Likely benign for Breast-ovarian cancer, familial, susceptibility to, 2. Last evaluated: 2026-09-03. Review status: criteria provided, single submitter. Criteria: Myriad Autosomal Dominant, Autosomal Recessive and X-Linked Classification Criteria (2023). Collection method: clinical testing. Allele origin: unknown.
Comment: This variant is considered likely benign. This variant is strongly associated with less severe personal and family histories of cancer, typical for individuals without pathogenic variants in this gene [PMID: 25085752].

Labcorp Genetics (formerly Invitae), Labcorp
Classification: Uncertain significance for Hereditary breast ovarian cancer syndrome. Last evaluated: 2025-12-29. Review status: criteria provided, single submitter. Criteria: Invitae Variant Classification Sherloc (09022015). Collection method: clinical testing. Allele origin: germline.
Comment: This sequence change replaces glycine, which is neutral and non-polar, with valine, which is neutral and non-polar, at codon 602 of the BRCA2 protein (p.Gly602Val). This variant is present in population databases (rs398122732, gnomAD 0.007%). This missense change has been observed in individual(s) with breast cancer (PMID: 34196900). ClinVar contains an entry for this variant (Variation ID: 91758). Invitae Evidence Modeling of protein sequence and biophysical properties (such as structural, functional, and spatial information, amino acid conservation, physicochemical variation, residue mobility, and thermodynamic stability) indicates that this missense variant is not expected to disrupt BRCA2 protein function with a negative predictive value of 95%. In summary, the available evidence is currently insufficient to determine the role of this variant in disease. Therefore, it has been classified as a Variant of Uncertain Significance.

Ambry Genetics
Classification: Uncertain significance for Hereditary cancer-predisposing syndrome. Last evaluated: 2025-07-19. Review status: criteria provided, single submitter. Criteria: Ambry Variant Classification Scheme 2023. Collection method: clinical testing. Allele origin: germline.
Comment: The p.G602V variant (also known as c.1805G>T), located in coding exon 9 of the BRCA2 gene, results from a G to T substitution at nucleotide position 1805. The glycine at codon 602 is replaced by valine, an amino acid with dissimilar properties. This amino acid position is not well conserved in available vertebrate species. In addition, this alteration is predicted to be tolerated by in silico analysis. Since supporting evidence is limited at this time, the clinical significance of this alteration remains unclear.

All of Us Research Program, National Institutes of Health
Classification: Uncertain significance for BRCA2-related cancer predisposition. Last evaluated: 2024-07-29. Review status: criteria provided, single submitter. Criteria: ACMG Guidelines, 2015. Collection method: clinical testing. Allele origin: germline. Inheritance: Autosomal dominant inheritance. Observed: 1 variant allele, 1 heterozygote.
Comment: This missense variant replaces glycine with valine at codon 602 of the BRCA2 protein. Computational prediction suggests that this variant may not impact protein structure and function (internally defined REVEL score threshold <= 0.5, PMID: 27666373). Splice site prediction tools suggest that this variant may not impact RNA splicing. A functional study has shown that the variant has neutral impact on sensitivity to PARP inhibitors (PMID: 32444794). This variant has been reported in a multifactorial analysis as uncertain based in part on family history likelihood ratios (PMID: 31131967). This variant has been identified in 2/232106 chromosomes in the general population by the Genome Aggregation Database (gnomAD). The available evidence is insufficient to determine the role of this variant in disease conclusively. Therefore, this variant is classified as a Variant of Uncertain Significance.

This study involves interpretation of variants in research participants for the purpose of population health screening. Participant phenotype was not available at the time of variant classification. Additional details can be found in publication PMID: 35346344, PMCID: PMC8962531

Color Diagnostics, LLC DBA Color Health
Classification: Uncertain significance for Hereditary cancer-predisposing syndrome. Last evaluated: 2024-06-26. Review status: criteria provided, single submitter. Criteria: ACMG Guidelines, 2015. Collection method: clinical testing. Allele origin: germline.
Comment: This missense variant replaces glycine with valine at codon 602 of the BRCA2 protein. Computational prediction suggests that this variant may not impact protein structure and function. A functional study has shown that this variant has neutral impact on sensitivity to PARP inhibitors (PMID: 32444794). This variant has been reported in a multifactorial analysis as uncertain based in part on family history likelihood ratios (PMID: 31131967). This variant has been identified in 2/232106 chromosomes in the general population by the Genome Aggregation Database (gnomAD). The available evidence is insufficient to determine the role of this variant in disease conclusively. Therefore, this variant is classified as a Variant of Uncertain Significance.

Women's Health and Genetics/Laboratory Corporation of America, LabCorp
Classification: Uncertain significance. Last evaluated: 2024-06-17. Review status: criteria provided, single submitter. Criteria: LabCorp Variant Classification Summary - May 2015. Collection method: clinical testing. Allele origin: germline.
Comment: Variant summary: BRCA2 c.1805G>T (p.Gly602Val) results in a non-conservative amino acid change in the encoded protein sequence. Three of five in-silico tools predict a benign effect of the variant on protein function. The variant allele was found at a frequency of 8.6e-06 in 232106 control chromosomes. The available data on variant occurrences in the general population are insufficient to allow any conclusion about variant significance. To our knowledge, no occurrence of c.1805G>T in individuals affected with Hereditary Breast And Ovarian Cancer Syndrome and no experimental evidence demonstrating its impact on protein function have been reported. ClinVar contains an entry for this variant (Variation ID: 91758). Based on the evidence outlined above, the variant was classified as uncertain significance.

Quest Diagnostics Nichols Institute San Juan Capistrano
Classification: Uncertain significance. Last evaluated: 2024-01-05. Review status: criteria provided, single submitter. Criteria: Quest Diagnostics criteria. Collection method: clinical testing. Allele origin: unknown.
Comment: The BRCA2 c.1805G>T (p.Gly602Val) variant has been reported in the published literature to be located in a region of the BRCA2 gene that is tolerant to missense sequence changes (PMID: 31911673 (2020)). Additionally, the variant has been characterized as being a variant of uncertain significance in a multifactorial likelihood study (PMID: 31131967 (2019)). The frequency of this variant in the general population, 0.0000086 (2/232106 chromosomes (Genome Aggregation Database)), is uninformative in the assessment of its pathogenicity. Analysis of this variant using bioinformatics tools for the prediction of the effect of amino acid changes on protein structure and function yielded predictions that this variant is benign. Based on the available information, we are unable to determine the clinical significance of this variant.

University of Washington Department of Laboratory Medicine, University of Washington
Classification: Likely benign for Hereditary cancer-predisposing syndrome. Last evaluated: 2023-03-23. Review status: criteria provided, single submitter. Criteria: Dines et al. (Genet Med. 2020). Collection method: curation. Allele origin: germline.
Comment: Missense variant in a coldspot region where missense variants are very unlikely to be pathogenic (PMID:31911673).

BRCA2 exon 10 coldspot. Reclassification based on statistical prior probability.

GeneDx
Classification: Uncertain significance. Last evaluated: 2022-11-30. Review status: criteria provided, single submitter. Criteria: GeneDx Variant Classification Process June 2021. Collection method: clinical testing. Allele origin: germline. Affected: yes.
Comment: Observed in large population cohorts (gnomAD; internal data); In silico analysis supports that this missense variant does not alter protein structure/function; Published functional studies demonstrate likely normal sensitivity to PARP inhibitors (Ikegami et al., 2020); Also known as 2033G>T; This variant is associated with the following publications: (PMID: 31131967, 29884841, 32377563, 32444794, Soria-Pealoza_2022)

Counsyl
Classification: Uncertain significance for Breast-ovarian cancer, familial, susceptibility to, 2. Last evaluated: 2017-12-27. Review status: no assertion criteria provided. Collection method: clinical testing. Allele origin: unknown. Not counted in ClinVar's aggregate classification.

Sharing Clinical Reports Project (SCRP)
Classification: Uncertain significance for Breast-ovarian cancer, familial 2. Last evaluated: 2006-05-26. Review status: no assertion criteria provided. Collection method: clinical testing. Allele origin: germline. Not counted in ClinVar's aggregate classification.

Literature cited by the submitters: PubMed 25085752 (cited by Myriad Genetics, Inc.); PubMed 34196900 (cited by Labcorp Genetics (formerly Invitae), Labcorp); PubMed 31131967 (cited by 3 submitters); PubMed 32444794 (cited by All of Us Research Program, National Institutes of Health and Color Diagnostics, LLC DBA Color Health); PubMed 31911673 (cited by Quest Diagnostics Nichols Institute San Juan Capistrano).

NM_000059.4(BRCA2):c.1805G>T (p.Gly602Val)

Gene: BRCA2 (BRCA2 DNA repair associated; plus strand). Cytogenetic location: 13q13.1.
Variant type: single nucleotide variant.
Coding change: c.1805G>T on transcript NM_000059.4 (MANE Select); coding-DNA position 1805, G replaced by T.
Protein change: p.Gly602Val; replaces glycine 602 with valine.
Molecular consequence: missense variant.
Genome position (GRCh38, 1-based): chr13:32,333,283, G>T. VCF-style: chr13-32333283-G-T. GRCh37 (hg19) VCF-style: chr13-32907420-G-T.
Other names: 2033G>T; short protein forms G602V.
Identifiers: ClinVar variation 91758 (VCV000091758.35), dbSNP rs398122732, ClinGen allele CA013348.
Genomic context (GRCh38, chr13:32,333,283, plus strand): 5'-CTTTGAAAAAGAAAACAAATAAGTTTATTTATGCTATACATGATGAAACATCTTATAAAG[G>T]AAAAAAAATACCGAAAGACCAAAAATCAGAACTAATTAACTGTTCAGCCCAGTTTGAAGC-3'
Protein context (NP_000050.3, residues 592-612): YAIHDETSYK[Gly602Val]KKIPKDQKSE